The following is an entry in ClinVar:

NM_002087.4(GRN):c.1774C>G (p.Leu592Val)

Gene: GRN (granulin precursor; plus strand). Cytogenetic location: 17q21.31.
Variant type: single nucleotide variant.
Coding change: c.1774C>G on transcript NM_002087.4 (MANE Select); coding-DNA position 1774, C replaced by G.
Protein change: p.Leu592Val; replaces leucine 592 with valine.
Molecular consequence: missense variant.
Genome position (GRCh38, 1-based): chr17:44,352,790, C>G. VCF-style: chr17-44352790-C-G. GRCh37 (hg19) VCF-style: chr17-42430158-C-G.
Other names: short protein forms L592V.
Identifiers: ClinVar variation 3761034 (VCV003761034.2).

ClinVar aggregate classification (germline): Uncertain significance (1 of 4 stars; one submission).

Conditions:
Neuronal ceroid lipofuscinosis 11. Also called: GRN-Related Neuronal Ceroid-Lipofuscinosis. Identifiers: Orphanet 314629, Orphanet 79262, MedGen C3539123, MONDO:0013866, OMIM 614706.
GRN-related frontotemporal lobar degeneration with Tdp43 inclusions (FTD2). Also called: DEMENTIA, HEREDITARY DYSPHASIC DISINHIBITION; FRONTOTEMPORAL LOBAR DEGENERATION WITH UBIQUITIN-POSITIVE INCLUSIONS; FTLD-TDP, GRN-RELATED; GRN Frontotemporal Dementia; FRONTOTEMPORAL DEMENTIA WITH TDP43 INCLUSIONS, GRN-RELATED. Identifiers: Orphanet 100070, Orphanet 282, MedGen C1843792, MONDO:0011842, OMIM 607485. Disease mechanism: loss of function.

gnomAD v4.1: 5 of 1,611,378 alleles (0.00031%); highest among the groups gnomAD compares: African/African-American, 0.0067%; no homozygotes.

Submission:

Labcorp Genetics (formerly Invitae), Labcorp
Classification: Uncertain significance for Neuronal ceroid lipofuscinosis 11; GRN-related frontotemporal lobar degeneration with Tdp43 inclusions. Last evaluated: 2024-11-16. Review status: criteria provided, single submitter. Criteria: Invitae Variant Classification Sherloc (09022015). Collection method: clinical testing. Allele origin: germline.
Comment: This sequence change replaces leucine, which is neutral and non-polar, with valine, which is neutral and non-polar, at codon 592 of the GRN protein (p.Leu592Val). The frequency data for this variant in the population databases is considered unreliable, as metrics indicate poor data quality at this position in the gnomAD database. This variant has not been reported in the literature in individuals affected with GRN-related conditions. An algorithm developed to predict the effect of missense changes on protein structure and function (PolyPhen-2) suggests that this variant is likely to be disruptive. Algorithms developed to predict the effect of sequence changes on RNA splicing suggest that this variant may create or strengthen a splice site. In summary, the available evidence is currently insufficient to determine the role of this variant in disease. Therefore, it has been classified as a Variant of Uncertain Significance.